The following is an entry in ClinVar:

NM_000059.4(BRCA2):c.8817G>C (p.Lys2939Asn)

Gene: BRCA2 (BRCA2 DNA repair associated; plus strand). Cytogenetic location: 13q13.1.
Variant type: single nucleotide variant.
Coding change: c.8817G>C on transcript NM_000059.4 (MANE Select); coding-DNA position 8817, G replaced by C.
Protein change: p.Lys2939Asn; replaces lysine 2939 with asparagine.
Molecular consequence: missense variant.
Genome position (GRCh38, 1-based): chr13:32,379,379, G>C. VCF-style: chr13-32379379-G-C. GRCh37 (hg19) VCF-style: chr13-32953516-G-C.
Other names: 9045G>C; short protein forms K2939N.
Identifiers: ClinVar variation 38187 (VCV000038187.21), dbSNP rs397507414, ClinGen allele CA025835.
Genomic context (GRCh38, chr13:32,379,379, plus strand): 5'-TTATTTCAGTGAAGAGCAGTTAAGAGCCTTGAATAATCACAGGCAAATGTTGAATGATAA[G>C]AAACAAGCTCAGATCCAGTTGGAAATTAGGAAGGCCATGGAATCTGCTGAACAAAAGGAA-3'
Protein context (NP_000050.3, residues 2929-2949): LNNHRQMLND[Lys2939Asn]KQAQIQLEIR

ClinVar aggregate classification (germline): Conflicting classifications of pathogenicity. Review status: criteria provided, conflicting classifications (1 of 4 stars). 6 submissions from 6 submitters: Uncertain significance (4); Likely benign (1). 1 of the submissions does not count toward it. Last evaluated 2025-05-15.

Conditions:
Hereditary cancer-predisposing syndrome. Also called: Hereditary neoplastic syndrome; Hereditary Cancer Syndrome; Tumor predisposition; Neoplastic Syndromes, Hereditary. Identifiers: Orphanet 140162, MedGen C0027672, MeSH D009386, MONDO:0015356.
Glioma susceptibility 3 (GLM3). Also called: Glioblastoma 3. Identifiers: Orphanet 182067, Orphanet 360, MedGen C2751641, MONDO:0013093, OMIM 613029.
Prostate cancer. Also called: Malignant tumor of prostate. Identifiers: Orphanet 1331, MedGen C0376358, MONDO:0008315, HP:0012125.
Breast-ovarian cancer, familial, susceptibility to, 2 (BROVCA2). Also called: BRCA2 Hereditary Breast and Ovarian Cancer. Identifiers: Orphanet 145, MedGen C2675520, MONDO:0012933, OMIM 612555. Disease mechanism: loss of function.
Wilms tumor 1 (WT1). Also called: Wilms tumor, somatic. Identifiers: Orphanet 654, MedGen CN033288, MONDO:0008679, OMIM 194070.
Medulloblastoma (MDB). Also called: MEDULLOBLASTOMA PREDISPOSITION SYNDROME; Medulloblastoma, somatic. Identifiers: Orphanet 616, MedGen C0025149, MeSH D008527, MONDO:0007959, OMIM 155255, HP:0002885.
Fanconi anemia complementation group D1. Also called: BRCA2-Related Fanconi Anemia. Identifiers: Orphanet 319462, MedGen C1838457, MONDO:0011584, OMIM 605724.
Familial cancer of breast. Also called: Hereditary breast cancer; hereditary breast carcinoma; BREAST CANCER, FAMILIAL. Identifiers: Orphanet 227535, MedGen C0346153, MONDO:0016419, OMIM 114480. Disease mechanism: loss of function.
Pancreatic cancer, susceptibility to, 2. Identifiers: Orphanet 1333, MedGen C3150546, MONDO:0013235, OMIM 613347.
Hereditary breast ovarian cancer syndrome. Also called: Breast and ovarian cancer; Hereditary breast and/or ovarian cancer syndrome; Hereditary breast and ovarian cancer; Hereditary breast and ovarian cancer syndrome; BRCA1- and BRCA2-Associated Hereditary Breast and Ovarian Cancer; Hereditary breast and ovarian cancer syndrome (HBOC). Identifiers: Orphanet 145, MedGen C0677776, MeSH D061325, MONDO:0003582. Disease mechanism: loss of function.

Submissions (6):

Ambry Genetics
Classification: Likely benign for Hereditary cancer-predisposing syndrome. Last evaluated: 2025-05-15. Review status: criteria provided, single submitter. Criteria: Ambry Variant Classification Scheme 2023. Collection method: clinical testing. Allele origin: germline.

All of Us Research Program, National Institutes of Health
Classification: Uncertain significance for Breast-ovarian cancer, familial, susceptibility to, 2. Last evaluated: 2023-08-15. Review status: criteria provided, single submitter. Criteria: ACMG Guidelines, 2015. Collection method: clinical testing. Allele origin: germline. Inheritance: Autosomal dominant inheritance. Observed: 1 variant allele, 1 heterozygote.
Comment: This missense variant replaces lysine with asparagine at codon 2939 of the BRCA2 protein. Computational prediction suggests that this variant may not impact protein structure and function (internally defined REVEL score threshold <= 0.5, PMID: 27666373). To our knowledge, functional studies have not been reported for this variant. This variant has not been reported in individuals affected with BRCA2-related disorders in the literature. This variant has not been identified in the general population by the Genome Aggregation Database (gnomAD). The available evidence is insufficient to determine the role of this variant in disease conclusively. Therefore, this variant is classified as a Variant of Uncertain Significance.

This study involves interpretation of variants in research participants for the purpose of population health screening. Participant phenotype was not available at the time of variant classification. Additional details can be found in publication PMID: 35346344, PMCID: PMC8962531

Color Diagnostics, LLC DBA Color Health
Classification: Uncertain significance for Hereditary cancer-predisposing syndrome. Last evaluated: 2023-07-26. Review status: criteria provided, single submitter. Criteria: ACMG Guidelines, 2015. Collection method: clinical testing. Allele origin: germline.
Comment: This missense variant replaces lysine with asparagine at codon 2939 of the BRCA2 protein. Computational prediction suggests that this variant may not impact protein structure and function (internally defined REVEL score threshold <= 0.5, PMID: 27666373). To our knowledge, functional studies have not been reported for this variant. This variant has not been reported in individuals affected with BRCA2-related disorders in the literature. This variant has not been identified in the general population by the Genome Aggregation Database (gnomAD). The available evidence is insufficient to determine the role of this variant in disease conclusively. Therefore, this variant is classified as a Variant of Uncertain Significance.

Labcorp Genetics (formerly Invitae), Labcorp
Classification: Uncertain significance for Hereditary breast ovarian cancer syndrome. Last evaluated: 2021-10-19. Review status: criteria provided, single submitter. Criteria: Invitae Variant Classification Sherloc (09022015). Collection method: clinical testing. Allele origin: germline.
Comment: This sequence change replaces lysine with asparagine at codon 2939 of the BRCA2 protein (p.Lys2939Asn). The lysine residue is highly conserved and there is a moderate physicochemical difference between lysine and asparagine. This variant is not present in population databases (ExAC no frequency). This variant has not been reported in the literature in individuals affected with BRCA2-related conditions. ClinVar contains an entry for this variant (Variation ID: 38187). Advanced modeling of protein sequence and biophysical properties (such as structural, functional, and spatial information, amino acid conservation, physicochemical variation, residue mobility, and thermodynamic stability) performed at Invitae indicates that this missense variant is not expected to disrupt BRCA2 protein function. In summary, the available evidence is currently insufficient to determine the role of this variant in disease. Therefore, it has been classified as a Variant of Uncertain Significance.

Fulgent Genetics
Classification: Uncertain significance for Familial cancer of breast; Medulloblastoma; Familial prostate cancer; Wilms tumor 1; Fanconi anemia complementation group D1; Breast-ovarian cancer, familial, susceptibility to, 2; Glioma susceptibility 3; Pancreatic cancer, susceptibility to, 2. Last evaluated: 2018-10-31. Review status: criteria provided, single submitter. Criteria: ACMG Guidelines, 2015. Collection method: clinical testing. Allele origin: unknown.

Sharing Clinical Reports Project (SCRP)
Classification: Uncertain significance for Breast-ovarian cancer, familial 2. Last evaluated: 2012-01-12. Review status: no assertion criteria provided. Collection method: clinical testing. Allele origin: germline. Not counted in ClinVar's aggregate classification.